The following is an entry in ClinVar:

ClinVar aggregate classification (germline): Uncertain significance (1 of 4 stars; one submission).

Conditions:
Charcot-Marie-Tooth disease axonal type 2V. Also called: CHARCOT-MARIE-TOOTH NEUROPATHY, TYPE 2V; CHARCOT-MARIE-TOOTH DISEASE, AXONAL, AUTOSOMAL DOMINANT, TYPE 2V. Identifiers: Orphanet 447964, MedGen C5569050, MONDO:0014665, OMIM 616491.
Mucopolysaccharidosis, MPS-III-B (MPS3B). Also called: N-ACETYL-ALPHA-D-GLUCOSAMINIDASE DEFICIENCY; NAGLU DEFICIENCY; SANFILIPPO SYNDROME B; MPS III B; MUCOPOLYSACCHARIDOSIS, TYPE IIIB; MPS IIIB (Sanfilippo Syndrome Type B). Identifiers: Orphanet 79270, MedGen C0086648, MONDO:0009656, OMIM 252920.

Allele frequency attached by ClinVar (database versions not stated): 1000 Genomes Project 0.00020; ExAC 0.00002; gnomAD 0.00001; 1000 Genomes Project 30x 0.00031.
gnomAD v4.1: 3 of 1,614,172 alleles (0.00019%); highest among the groups gnomAD compares: African/African-American, 0.0027%; no homozygotes.

Submission:

Labcorp Genetics (formerly Invitae), Labcorp
Classification: Uncertain significance for Charcot-Marie-Tooth disease axonal type 2V; Mucopolysaccharidosis, MPS-III-B. Last evaluated: 2021-09-17. Review status: criteria provided, single submitter. Criteria: Invitae Variant Classification Sherloc (09022015). Collection method: clinical testing. Allele origin: germline.
Comment: This sequence change replaces threonine with methionine at codon 137 of the NAGLU protein (p.Thr137Met). The threonine residue is highly conserved and there is a moderate physicochemical difference between threonine and methionine. This variant is present in population databases (rs534663244, ExAC 0.02%). This variant has not been reported in the literature in individuals with NAGLU-related conditions. Algorithms developed to predict the effect of missense changes on protein structure and function are either unavailable or do not agree on the potential impact of this missense change (SIFT: "Deleterious"; PolyPhen-2: "Probably Damaging"; Align-GVGD: "Class C0"). In summary, the available evidence is currently insufficient to determine the role of this variant in disease. Therefore, it has been classified as a Variant of Uncertain Significance.

NM_000263.4(NAGLU):c.410C>T (p.Thr137Met)

Gene: NAGLU (N-acetyl-alpha-glucosaminidase; plus strand). Cytogenetic location: 17q21.2.
Variant type: single nucleotide variant.
Coding change: c.410C>T on transcript NM_000263.4 (MANE Select); coding-DNA position 410, C replaced by T.
Protein change: p.Thr137Met; replaces threonine 137 with methionine.
Molecular consequence: missense variant.
Genome position (GRCh38, 1-based): chr17:42,537,424, C>T. VCF-style: chr17-42537424-C-T. GRCh37 (hg19) VCF-style: chr17-40689442-C-T.
Other names: short protein forms T137M.
Identifiers: ClinVar variation 2161402 (VCV002161402.1), dbSNP rs534663244, ClinGen allele CA8576762.